The following is an entry in ClinVar:

ClinVar aggregate classification (germline): Likely benign. Review status: criteria provided, multiple submitters, no conflicts (2 of 4 stars). 2 submissions from 2 submitters: Likely benign (2). Last evaluated 2025-07-20.

Conditions:
Hereditary spastic paraplegia 7 (SPG7). Also called: SPASTIC PARAPLEGIA 7, AUTOSOMAL RECESSIVE, WITH OR WITHOUT CEREBELLAR ATAXIA; Spastic paraplegia 7; Hereditary spastic paraplegia Paraplegin type; Autosomal recessive spastic paraplegia type 7; SPG7-related neurologic disorder. Identifiers: Orphanet 99013, MedGen C1846564, MONDO:0011803, OMIM 607259.

Allele frequency attached by ClinVar (database versions not stated): TOPMed below 0.00001; ExAC 0.00001; gnomAD exomes 0.00001.
gnomAD v4.1: 12 of 1,606,588 alleles (0.00075%); highest among the groups gnomAD compares: East Asian, 0.0022%; no homozygotes.

Submissions (2):

Labcorp Genetics (formerly Invitae), Labcorp
Classification: Likely benign for Hereditary spastic paraplegia 7. Last evaluated: 2025-07-20. Review status: criteria provided, single submitter. Criteria: Invitae Variant Classification Sherloc (09022015). Collection method: clinical testing. Allele origin: germline.

GeneDx
Classification: Likely benign. Last evaluated: 2017-06-30. Review status: criteria provided, single submitter. Criteria: GeneDx Variant Classification (06012015). Collection method: clinical testing. Allele origin: germline. Affected: yes.
Comment: This variant is considered likely benign or benign based on one or more of the following criteria: it is a conservative change, it occurs at a poorly conserved position in the protein, it is predicted to be benign by multiple in silico algorithms, and/or has population frequency not consistent with disease.

NM_003119.4(SPG7):c.204A>G (p.Leu68=)

Gene: SPG7 (SPG7 matrix AAA peptidase subunit, paraplegin; plus strand). Cytogenetic location: 16q24.3.
Variant type: single nucleotide variant.
Coding change: c.204A>G on transcript NM_003119.4 (MANE Select); coding-DNA position 204, A replaced by G.
Protein change: p.Leu68=; no amino-acid change (leucine 68 retained).
Molecular consequence: synonymous variant.
Genome position (GRCh38, 1-based): chr16:89,510,510, A>G. VCF-style: chr16-89510510-A-G. GRCh37 (hg19) VCF-style: chr16-89576918-A-G.
Other names: c.204A>G, p.Leu68= (NM_001363850.1, NM_199367.3).
Identifiers: ClinVar variation 518187 (VCV000518187.5), dbSNP rs566363528, ClinGen allele CA8243465.
Genomic context (GRCh38, chr16:89,510,510, plus strand): 5'-GTTGGTGTGACCTCCAGTATTGTTTTTTTTTTTTTTTCAGAGCTTACAATTGAGACTGCT[A>G]ACCCCTACCTTTGAAGGGATCAACGGATTGTTGTTGAAACAACATTTAGTTCAGAATCCA-3'
Protein context (NP_003110.1, residues 58-78): RALQSLQLRL[Leu68=]TPTFEGINGL